The following is an entry in ClinVar:

NM_004415.4(DSP):c.6105G>A (p.Lys2035=)

Gene: DSP (desmoplakin; plus strand). Cytogenetic location: 6p24.3.
Variant type: single nucleotide variant.
Coding change: c.6105G>A on transcript NM_004415.4 (MANE Select); coding-DNA position 6105, G replaced by A.
Protein change: p.Lys2035=; no amino-acid change (lysine 2035 retained).
Molecular consequence: synonymous variant.
Genome position (GRCh38, 1-based): chr6:7,583,367, G>A. VCF-style: chr6-7583367-G-A. GRCh37 (hg19) VCF-style: chr6-7583600-G-A.
Other names: c.4308G>A, p.Lys1436= (NM_001008844.3); c.4776G>A, p.Lys1592= (NM_001319034.2).
Identifiers: ClinVar variation 1661910 (VCV001661910.9), dbSNP rs2113699553, ClinGen allele CA448715766.

ClinVar aggregate classification (germline): Likely benign. Review status: criteria provided, multiple submitters, no conflicts (2 of 4 stars). 2 submissions from 2 submitters: Likely benign (2). Last evaluated 2024-05-14.

Conditions:
Arrhythmogenic right ventricular dysplasia 8 (ARVD8). Also called: Arrhythmogenic Right Ventricular Dysplasia/Cardiomyopathy 8; ARRHYTHMOGENIC RIGHT VENTRICULAR DYSPLASIA, FAMILIAL, 8; ARRHYTHMOGENIC RIGHT VENTRICULAR CARDIOMYOPATHY 8. Identifiers: MedGen C1843896, MONDO:0011831, OMIM 607450.
Arrhythmogenic cardiomyopathy with wooly hair and keratoderma. Also called: Carvajal syndrome; PALMOPLANTAR KERATODERMA WITH LEFT VENTRICULAR CARDIOMYOPATHY AND WOOLLY HAIR; Arrhythmogenic cardiomyopathy with woolly hair and keratoderma; Dilated cardiomyopathy with woolly hair and keratoderma. Identifiers: Orphanet 65282, MedGen C1854063, MONDO:0011581, OMIM 605676.

Submissions (2):

All of Us Research Program, National Institutes of Health
Classification: Likely benign for Arrhythmogenic cardiomyopathy with wooly hair and keratoderma. Last evaluated: 2024-05-14. Review status: criteria provided, single submitter. Criteria: ACMG Guidelines, 2015. Collection method: clinical testing. Allele origin: germline. Inheritance: Autosomal dominant inheritance. Observed: 1 variant allele, 1 heterozygote.
Comment: This study involves interpretation of variants in research participants for the purpose of population health screening. Participant phenotype was not available at the time of variant classification. Additional details can be found in publication PMID: 35346344, PMCID: PMC8962531

Labcorp Genetics (formerly Invitae), Labcorp
Classification: Likely benign for Arrhythmogenic cardiomyopathy with wooly hair and keratoderma; Arrhythmogenic right ventricular dysplasia 8. Last evaluated: 2022-12-06. Review status: criteria provided, single submitter. Criteria: Invitae Variant Classification Sherloc (09022015). Collection method: clinical testing. Allele origin: germline.